The following is an entry in ClinVar:

ClinVar aggregate classification (germline): Uncertain significance (1 of 4 stars; one submission).

Submission:

Labcorp Genetics (formerly Invitae), Labcorp
Classification: Uncertain significance. Last evaluated: 2022-03-24. Review status: criteria provided, single submitter. Criteria: Invitae Variant Classification Sherloc (09022015). Collection method: clinical testing. Allele origin: germline.
Comment: In summary, the available evidence is currently insufficient to determine the role of this variant in disease. Therefore, it has been classified as a Variant of Uncertain Significance. Algorithms developed to predict the effect of missense changes on protein structure and function are either unavailable or do not agree on the potential impact of this missense change (SIFT: "Tolerated"; PolyPhen-2: "Possibly Damaging"; Align-GVGD: "Class C0"). This variant has not been reported in the literature in individuals affected with DIP2C-related conditions. This variant is not present in population databases (gnomAD no frequency). This sequence change replaces valine, which is neutral and non-polar, with leucine, which is neutral and non-polar, at codon 313 of the DIP2C protein (p.Val313Leu).

NM_014974.3(DIP2C):c.937G>C (p.Val313Leu)

Gene: DIP2C (DIP2 acetate--CoA ligase C (putative); minus strand). Cytogenetic location: 10p15.3.
Variant type: single nucleotide variant.
Coding change: c.937G>C on transcript NM_014974.3 (MANE Select); coding-DNA position 937, G replaced by C.
Protein change: p.Val313Leu; replaces valine 313 with leucine.
Molecular consequence: missense variant.
Genome position (GRCh38, 1-based): chr10:414,033, C>G on the plus strand (G>C on the coding strand, the complement: DIP2C is on the minus strand). VCF-style: chr10-414033-C-G. GRCh37 (hg19) VCF-style: chr10-459973-C-G.
Other names: short protein forms V313L.
Identifiers: ClinVar variation 1974527 (VCV001974527.5), dbSNP rs769446060, ClinGen allele CA375832096.